The following is an entry in ClinVar:

NM_000701.8(ATP1A1):c.2440A>C (p.Thr814Pro)

Genes: ATP1A1 (ATPase Na+/K+ transporting subunit alpha 1; plus strand), ATP1A1-AS1 (ATP1A1 antisense RNA 1; minus strand). Cytogenetic location: 1p13.1.
Variant type: single nucleotide variant.
Coding change: c.2440A>C on transcript NM_000701.8 (MANE Select); coding-DNA position 2440, A replaced by C.
Protein change: p.Thr814Pro; replaces threonine 814 with proline.
Molecular consequence: missense variant. On other transcripts: non-coding transcript variant (1).
Genome position (GRCh38, 1-based): chr1:116,399,076, A>C. VCF-style: chr1-116399076-A-C. GRCh37 (hg19) VCF-style: chr1-116941698-A-C.
Other names: c.2440A>C, p.Thr814Pro (NM_001160233.2); c.2347A>C, p.Thr783Pro (NM_001160234.2); short protein forms T783P, T814P.
Identifiers: ClinVar variation 2839641 (VCV002839641.3), dbSNP rs2525882854, ClinGen allele CA341773894.

ClinVar aggregate classification (germline): Uncertain significance (1 of 4 stars; one submission).

Submission:

Labcorp Genetics (formerly Invitae), Labcorp
Classification: Uncertain significance. Last evaluated: 2023-02-21. Review status: criteria provided, single submitter. Criteria: Invitae Variant Classification Sherloc (09022015). Collection method: clinical testing. Allele origin: germline.
Comment: In summary, the available evidence is currently insufficient to determine the role of this variant in disease. Therefore, it has been classified as a Variant of Uncertain Significance. Advanced modeling of protein sequence and biophysical properties (such as structural, functional, and spatial information, amino acid conservation, physicochemical variation, residue mobility, and thermodynamic stability) performed at Invitae indicates that this missense variant is expected to disrupt ATP1A1 protein function. This variant has not been reported in the literature in individuals affected with ATP1A1-related conditions. This variant is not present in population databases (gnomAD no frequency). This sequence change replaces threonine, which is neutral and polar, with proline, which is neutral and non-polar, at codon 814 of the ATP1A1 protein (p.Thr814Pro).